The following is an entry in ClinVar:

ClinVar aggregate classification (germline): Benign/Likely benign. Review status: criteria provided, multiple submitters, no conflicts (2 of 4 stars). 5 submissions from 5 submitters: Benign (2); Likely benign (3). Last evaluated 2026-02-02.

Allele frequency attached by ClinVar (database versions not stated): ExAC 0.00357; gnomAD exomes 0.00360 and 0.00520; 1000 Genomes Project 30x 0.00094; 1000 Genomes Project 0.00120; TOPMed 0.00326; gnomAD 0.00331 and 0.00334; ESP Exome Variant Server 0.00461.
gnomAD v4.1: 8,099 of 1,613,180 alleles (0.5%); highest among the groups gnomAD compares: Non-Finnish European, 0.6%; 30 homozygotes.

Submissions (35):

Labcorp Genetics (formerly Invitae), Labcorp
Classification: Benign. Last evaluated: 2026-02-02. Review status: criteria provided, single submitter. Criteria: Invitae Variant Classification Sherloc (09022015). Collection method: clinical testing. Allele origin: germline.

Mayo Clinic Laboratories, Mayo Clinic
Classification: Likely benign. Last evaluated: 2025-10-23. Review status: criteria provided, single submitter. Criteria: ACMG Guidelines, 2015. Collection method: clinical testing. Allele origin: germline. Observed: 1 variant allele.
Comment: BP4, BP7

CeGaT Center for Human Genetics Tuebingen
Classification: Likely benign. Last evaluated: 2025-08-01. Review status: criteria provided, single submitter. Criteria: CeGaT Center For Human Genetics Tuebingen Variant Classification Criteria Version 2. Collection method: clinical testing. Allele origin: germline. Affected: yes. Observed: 4 variant alleles.
Comment: RPS27: BP4, BS2

Blueprint Genetics
Classification: Likely benign. Last evaluated: 2024-11-21. Review status: criteria provided, single submitter. Criteria: ACMG Guidelines, 2015. Collection method: clinical testing. Allele origin: germline.

Genetic Services Laboratory, University of Chicago
Classification: Benign. Last evaluated: 2021-11-19. Review status: criteria provided, single submitter. Criteria: ACMG Guidelines, 2015. Collection method: clinical testing. Allele origin: germline. Affected: no.

Dr. Peter K. Rogan Lab, Western University
No classification provided (evidence only). Condition: Clear cell carcinoma of kidney. Review status: no classification provided. Collection method: in vitro. Allele origin: not applicable. Functional consequence: retained intron. Not counted in ClinVar's aggregate classification.

Dr. Peter K. Rogan Lab, Western University
No classification provided (evidence only). Condition: Clear cell carcinoma of kidney. Review status: no classification provided. Collection method: in vitro. Allele origin: not applicable. Functional consequence: retained intron. Not counted in ClinVar's aggregate classification.

Dr. Peter K. Rogan Lab, Western University
No classification provided (evidence only). Condition: Lung cancer. Review status: no classification provided. Collection method: in vitro. Allele origin: not applicable. Functional consequence: retained intron. Not counted in ClinVar's aggregate classification.

Dr. Peter K. Rogan Lab, Western University
No classification provided (evidence only). Condition: Melanoma. Review status: no classification provided. Collection method: in vitro. Allele origin: not applicable. Functional consequence: retained intron. Not counted in ClinVar's aggregate classification.

Dr. Peter K. Rogan Lab, Western University
No classification provided (evidence only). Condition: Melanoma. Review status: no classification provided. Collection method: in vitro. Allele origin: not applicable. Functional consequence: retained intron. Not counted in ClinVar's aggregate classification.

Dr. Peter K. Rogan Lab, Western University
No classification provided (evidence only). Condition: Melanoma. Review status: no classification provided. Collection method: in vitro. Allele origin: not applicable. Functional consequence: retained intron. Not counted in ClinVar's aggregate classification.

Dr. Peter K. Rogan Lab, Western University
No classification provided (evidence only). Condition: Melanoma. Review status: no classification provided. Collection method: in vitro. Allele origin: not applicable. Functional consequence: retained intron. Not counted in ClinVar's aggregate classification.

Dr. Peter K. Rogan Lab, Western University
No classification provided (evidence only). Condition: Acute myeloid leukemia. Review status: no classification provided. Collection method: in vitro. Allele origin: not applicable. Functional consequence: retained intron. Not counted in ClinVar's aggregate classification.

Dr. Peter K. Rogan Lab, Western University
No classification provided (evidence only). Condition: Colon adenocarcinoma. Review status: no classification provided. Collection method: in vitro. Allele origin: not applicable. Functional consequence: retained intron. Not counted in ClinVar's aggregate classification.

Dr. Peter K. Rogan Lab, Western University
No classification provided (evidence only). Condition: Colon adenocarcinoma. Review status: no classification provided. Collection method: in vitro. Allele origin: not applicable. Functional consequence: retained intron. Not counted in ClinVar's aggregate classification.

Dr. Peter K. Rogan Lab, Western University
No classification provided (evidence only). Condition: Thyroid cancer, nonmedullary, 1. Review status: no classification provided. Collection method: in vitro. Allele origin: not applicable. Functional consequence: retained intron. Not counted in ClinVar's aggregate classification.

Dr. Peter K. Rogan Lab, Western University
No classification provided (evidence only). Condition: Cervical cancer. Review status: no classification provided. Collection method: in vitro. Allele origin: not applicable. Functional consequence: retained intron. Not counted in ClinVar's aggregate classification.

Dr. Peter K. Rogan Lab, Western University
No classification provided (evidence only). Condition: Cervical cancer. Review status: no classification provided. Collection method: in vitro. Allele origin: not applicable. Functional consequence: retained intron. Not counted in ClinVar's aggregate classification.

Dr. Peter K. Rogan Lab, Western University
No classification provided (evidence only). Condition: Cervical cancer. Review status: no classification provided. Collection method: in vitro. Allele origin: not applicable. Functional consequence: retained intron. Not counted in ClinVar's aggregate classification.

Dr. Peter K. Rogan Lab, Western University
No classification provided (evidence only). Condition: Sarcoma. Review status: no classification provided. Collection method: in vitro. Allele origin: not applicable. Functional consequence: retained intron. Not counted in ClinVar's aggregate classification.

Dr. Peter K. Rogan Lab, Western University
No classification provided (evidence only). Condition: Hepatocellular carcinoma. Review status: no classification provided. Collection method: in vitro. Allele origin: not applicable. Functional consequence: retained intron. Not counted in ClinVar's aggregate classification.

Dr. Peter K. Rogan Lab, Western University
No classification provided (evidence only). Condition: Hepatocellular carcinoma. Review status: no classification provided. Collection method: in vitro. Allele origin: not applicable. Functional consequence: retained intron. Not counted in ClinVar's aggregate classification.

Dr. Peter K. Rogan Lab, Western University
No classification provided (evidence only). Condition: Thymoma. Review status: no classification provided. Collection method: in vitro. Allele origin: not applicable. Functional consequence: retained intron. Not counted in ClinVar's aggregate classification.

Dr. Peter K. Rogan Lab, Western University
No classification provided (evidence only). Condition: Thymoma. Review status: no classification provided. Collection method: in vitro. Allele origin: not applicable. Functional consequence: retained intron. Not counted in ClinVar's aggregate classification.

Dr. Peter K. Rogan Lab, Western University
No classification provided (evidence only). Condition: Clear cell carcinoma of kidney. Review status: no classification provided. Collection method: in vitro. Allele origin: not applicable. Functional consequence: retained intron. Not counted in ClinVar's aggregate classification.

Dr. Peter K. Rogan Lab, Western University
No classification provided (evidence only). Condition: Clear cell carcinoma of kidney. Review status: no classification provided. Collection method: in vitro. Allele origin: not applicable. Functional consequence: retained intron. Not counted in ClinVar's aggregate classification.

Dr. Peter K. Rogan Lab, Western University
No classification provided (evidence only). Condition: Thymoma. Review status: no classification provided. Collection method: in vitro. Allele origin: not applicable. Functional consequence: retained intron. Not counted in ClinVar's aggregate classification.

Dr. Peter K. Rogan Lab, Western University
No classification provided (evidence only). Condition: Ovarian serous cystadenocarcinoma. Review status: no classification provided. Collection method: in vitro. Allele origin: not applicable. Functional consequence: retained intron. Not counted in ClinVar's aggregate classification.

Dr. Peter K. Rogan Lab, Western University
No classification provided (evidence only). Condition: Gastric cancer. Review status: no classification provided. Collection method: in vitro. Allele origin: not applicable. Functional consequence: retained intron. Not counted in ClinVar's aggregate classification.

Dr. Peter K. Rogan Lab, Western University
No classification provided (evidence only). Condition: Gastric cancer. Review status: no classification provided. Collection method: in vitro. Allele origin: not applicable. Functional consequence: retained intron. Not counted in ClinVar's aggregate classification.

Dr. Peter K. Rogan Lab, Western University
No classification provided (evidence only). Condition: Uveal melanoma. Review status: no classification provided. Collection method: in vitro. Allele origin: not applicable. Functional consequence: retained intron. Not counted in ClinVar's aggregate classification.

Dr. Peter K. Rogan Lab, Western University
No classification provided (evidence only). Condition: Malignant tumor of esophagus. Review status: no classification provided. Collection method: in vitro. Allele origin: not applicable. Functional consequence: retained intron. Not counted in ClinVar's aggregate classification.

Dr. Peter K. Rogan Lab, Western University
No classification provided (evidence only). Condition: Malignant tumor of esophagus. Review status: no classification provided. Collection method: in vitro. Allele origin: not applicable. Functional consequence: retained intron. Not counted in ClinVar's aggregate classification.

Dr. Peter K. Rogan Lab, Western University
No classification provided (evidence only). Condition: Malignant tumor of esophagus. Review status: no classification provided. Collection method: in vitro. Allele origin: not applicable. Functional consequence: retained intron. Not counted in ClinVar's aggregate classification.

Dr. Peter K. Rogan Lab, Western University
No classification provided (evidence only). Condition: Malignant tumor of esophagus. Review status: no classification provided. Collection method: in vitro. Allele origin: not applicable. Functional consequence: retained intron. Not counted in ClinVar's aggregate classification.

NM_001030.6(RPS27):c.228A>T (p.Gly76=)

Gene: RPS27 (ribosomal protein S27; plus strand). Cytogenetic location: 1q21.3.
Variant type: single nucleotide variant.
Coding change: c.228A>T on transcript NM_001030.6 (MANE Select); coding-DNA position 228, A replaced by T.
Protein change: p.Gly76=; no amino-acid change (glycine 76 retained).
Molecular consequence: synonymous variant.
Genome position (GRCh38, 1-based): chr1:153,992,066, A>T. VCF-style: chr1-153992066-A-T. GRCh37 (hg19) VCF-style: chr1-153964542-A-T.
Other names: p.Gly76=; c.132A>T, p.Gly44= (NM_001349946.2, NM_001349947.2).
Identifiers: ClinVar variation 1336053 (VCV001336053.31), dbSNP rs138950537, ClinGen allele CA1123933.